The following is an entry in ClinVar:

NM_007294.4(BRCA1):c.848T>A (p.Leu283Ter)

Gene: BRCA1 (BRCA1 DNA repair associated; minus strand). Cytogenetic location: 17q21.31.
Variant type: single nucleotide variant.
Coding change: c.848T>A on transcript NM_007294.4 (MANE Select); coding-DNA position 848, T replaced by A.
Protein change: p.Leu283Ter; replaces leucine 283 with a stop codon.
Molecular consequence: nonsense. On other transcripts: intron variant (137), 5 prime UTR variant (2).
Genome position (GRCh38, 1-based): chr17:43,094,683, A>T on the plus strand (T>A on the coding strand, the complement: BRCA1 is on the minus strand). VCF-style: chr17-43094683-A-T. GRCh37 (hg19) VCF-style: chr17-41246700-A-T.
Other names: c.722T>A, p.Leu241Ter (NM_001407672.1, NM_001407673.1, NM_001407685.1 and 11 more transcripts); c.725T>A, p.Leu242Ter (NM_001407674.1, NM_001407863.1, NM_001407648.1 and 19 more transcripts); c.848T>A, p.Leu283Ter (NM_001407684.1, NM_001407854.1, NM_001407858.1 and 30 more transcripts); c.707T>A, p.Leu236Ter (NM_001407692.1, NM_001407694.1, NM_001407729.1 and 29 more transcripts); c.704T>A, p.Leu235Ter (NM_001407748.1, NM_001407749.1, NM_001407838.1 and 20 more transcripts); c.635T>A, p.Leu212Ter (NM_001407853.1, NM_001407895.1, NM_001407896.1 and 9 more transcripts); c.845T>A, p.Leu282Ter (NM_001407860.1, NM_001407861.1, NM_001407610.1 and 22 more transcripts); c.647T>A, p.Leu216Ter (NM_001407862.1); and 40 more; short protein forms L283*, L236*, L195*, L215*, L156*, L212*, L235*, L241*.
Identifiers: ClinVar variation 55736 (VCV000055736.4), dbSNP rs273902792, ClinGen allele CA003937.

ClinVar aggregate classification (germline): Pathogenic. Review status: reviewed by expert panel (3 of 4 stars). 3 submissions from 3 submitters: Pathogenic (1). 2 of the submissions do not count toward it. Last evaluated 2016-09-08.

Conditions:
Breast-ovarian cancer, familial, susceptibility to, 1 (BROVCA1). Also called: BRCA1 Hereditary Breast and Ovarian Cancer; OVARIAN CANCER, SUSCEPTIBILITY TO. Identifiers: Orphanet 145, MedGen C2676676, MONDO:0011450, OMIM 604370. Disease mechanism: loss of function.

Submissions (3):

Evidence-based Network for the Interpretation of Germline Mutant Alleles (ENIGMA)
Classification: Pathogenic for Breast-ovarian cancer, familial, susceptibility to, 1. Last evaluated: 2016-09-08. Review status: reviewed by expert panel. Criteria: ENIGMA BRCA1/2 Classification Criteria (2015). Collection method: curation. Allele origin: germline.
Comment: Variant allele predicted to encode a truncated non-functional protein.

Department of Medical Genetics, Oslo University Hospital
Classification: Pathogenic for Breast-ovarian cancer, familial, susceptibility to, 1. Last evaluated: 2015-07-01. Review status: criteria provided, single submitter. Criteria: ACMG Guidelines, 2015. Collection method: clinical testing. Allele origin: germline. Affected: yes. Observed: 3 variant alleles. Not counted in ClinVar's aggregate classification.

Breast Cancer Information Core (BIC) (BRCA1)
Classification: Pathogenic for Breast-ovarian cancer, familial 1. Last evaluated: 2005-07-21. Review status: no assertion criteria provided. Collection method: clinical testing. Allele origin: germline. Affected: yes. Observed: 3 variant alleles. Not counted in ClinVar's aggregate classification.